The following is an entry in ClinVar:

NM_001379500.1(COL18A1):c.3106C>T (p.Arg1036Cys)

Genes: COL18A1 (collagen type XVIII alpha 1 chain; plus strand), SLC19A1 (solute carrier family 19 member 1; minus strand). Cytogenetic location: 21q22.3.
Variant type: single nucleotide variant.
Coding change: c.3106C>T on transcript NM_001379500.1 (MANE Select); coding-DNA position 3106, C replaced by T.
Protein change: p.Arg1036Cys; replaces arginine 1036 with cysteine.
Molecular consequence: missense variant.
Genome position (GRCh38, 1-based): chr21:45,505,856, C>T. VCF-style: chr21-45505856-C-T. GRCh37 (hg19) VCF-style: chr21-46925770-C-T.
Other names: c.3637C>T, p.Arg1213Cys (NM_030582.4); c.4342C>T, p.Arg1448Cys (NM_130444.3); c.3637C>T (NM_030582.3); short protein forms R1213C, R1036C, R1448C.
Identifiers: ClinVar variation 1412348 (VCV001412348.6), dbSNP rs772808254, ClinGen allele CA10067713.

ClinVar aggregate classification (germline): Uncertain significance. Review status: criteria provided, multiple submitters, no conflicts (2 of 4 stars). 3 submissions from 3 submitters: Uncertain significance (3). Last evaluated 2025-09-08.

Conditions:
COL18A1-related disorder. Also called: COL18A1-related disorders; COL18A1-related condition.

gnomAD v4.1: 52 of 1,608,872 alleles (0.0032%); highest among the groups gnomAD compares: Middle Eastern, 0.017%; no homozygotes.

Submissions (3):

Labcorp Genetics (formerly Invitae), Labcorp
Classification: Uncertain significance. Last evaluated: 2025-09-08. Review status: criteria provided, single submitter. Criteria: Invitae Variant Classification Sherloc (09022015). Collection method: clinical testing. Allele origin: germline.
Comment: This sequence change replaces arginine, which is basic and polar, with cysteine, which is neutral and slightly polar, at codon 1033 of the COL18A1 protein (p.Arg1033Cys). This variant is present in population databases (rs772808254, gnomAD 0.01%). This missense change has been observed in individual(s) with inherited retinal disease (PMID: 32483926). ClinVar contains an entry for this variant (Variation ID: 1412348). Experimental studies and prediction algorithms are not available or were not evaluated, and the functional significance of this variant is currently unknown. In summary, the available evidence is currently insufficient to determine the role of this variant in disease. Therefore, it has been classified as a Variant of Uncertain Significance.

PreventionGenetics, part of Exact Sciences
Classification: Uncertain significance for COL18A1-related condition. Last evaluated: 2025-03-24. Review status: criteria provided, single submitter. Criteria: ACMG Guidelines, 2015. Collection method: clinical testing. Allele origin: germline.
Comment: The COL18A1 c.3637C>T variant is predicted to result in the amino acid substitution p.Arg1213Cys. To our knowledge, this variant has not been reported in the literature. This variant is present in 0.013% of alleles in individuals of South Asian descent in gnomAD. At this time, the clinical significance of this variant is uncertain due to the absence of conclusive functional and genetic evidence.

Blueprint Genetics
Classification: Uncertain significance. Last evaluated: 2024-07-29. Review status: criteria provided, single submitter. Criteria: ACMG Guidelines, 2015. Collection method: clinical testing. Allele origin: germline.

Literature cited by the submitters: PubMed 32483926 (cited by Labcorp Genetics (formerly Invitae), Labcorp).